The following is an entry in ClinVar:

ClinVar aggregate classification (germline): Uncertain significance (1 of 4 stars; one submission).

Conditions:
Dilated cardiomyopathy 1O (CMD1O). Also called: CARDIOMYOPATHY, DILATED, WITH VENTRICULAR TACHYCARDIA. Identifiers: Orphanet 154, MedGen C1837839, MONDO:0012062, OMIM 608569.

Submission:

Labcorp Genetics (formerly Invitae), Labcorp
Classification: Uncertain significance for Dilated cardiomyopathy 1O. Last evaluated: 2024-09-09. Review status: criteria provided, single submitter. Criteria: Invitae Variant Classification Sherloc (09022015). Collection method: clinical testing. Allele origin: germline.
Comment: This sequence change replaces lysine, which is basic and polar, with asparagine, which is neutral and polar, at codon 1489 of the ABCC9 protein (p.Lys1489Asn). This variant is not present in population databases (gnomAD no frequency). This variant has not been reported in the literature in individuals affected with ABCC9-related conditions. Invitae Evidence Modeling of protein sequence and biophysical properties (such as structural, functional, and spatial information, amino acid conservation, physicochemical variation, residue mobility, and thermodynamic stability) indicates that this missense variant is expected to disrupt ABCC9 protein function with a positive predictive value of 95%. In summary, the available evidence is currently insufficient to determine the role of this variant in disease. Therefore, it has been classified as a Variant of Uncertain Significance.

NM_020297.4(ABCC9):c.4467A>T (p.Lys1489Asn)

Genes: ABCC9 (ATP binding cassette subfamily C member 9; minus strand), KCNJ8-AS1 (KCNJ8 antisense RNA 1; plus strand). Cytogenetic location: 12p12.1.
Variant type: single nucleotide variant.
Coding change: c.4467A>T on transcript NM_020297.4 (MANE Select); coding-DNA position 4467, A replaced by T.
Protein change: p.Lys1489Asn; replaces lysine 1489 with asparagine.
Molecular consequence: missense variant.
Genome position (GRCh38, 1-based): chr12:21,806,043, T>A on the plus strand (A>T on the coding strand, the complement: ABCC9 is on the minus strand). VCF-style: chr12-21806043-T-A. GRCh37 (hg19) VCF-style: chr12-21958977-T-A.
Other names: c.4467A>T, p.Lys1489Asn (NM_001377273.1, NM_005691.4); c.3600A>T, p.Lys1200Asn (NM_001377274.1); short protein forms K1200N, K1489N.
Identifiers: ClinVar variation 3693066 (VCV003693066.2).